The following is an entry in ClinVar:

ClinVar aggregate classification (germline): Uncertain significance (1 of 4 stars; one submission).

Allele frequency attached by ClinVar (database versions not stated): gnomAD exomes 0.00001.

Submission:

Labcorp Genetics (formerly Invitae), Labcorp
Classification: Uncertain significance. Last evaluated: 2021-05-10. Review status: criteria provided, single submitter. Criteria: Invitae Variant Classification Sherloc (09022015). Collection method: clinical testing. Allele origin: germline.
Comment: This sequence change replaces proline with serine at codon 514 of the PCARE protein (p.Pro514Ser). The proline residue is highly conserved and there is a moderate physicochemical difference between proline and serine. This variant is not present in population databases (ExAC no frequency). This variant has not been reported in the literature in individuals with PCARE-related conditions. Algorithms developed to predict the effect of missense changes on protein structure and function (SIFT, PolyPhen-2, Align-GVGD) all suggest that this variant is likely to be disruptive, but these predictions have not been confirmed by published functional studies and their clinical significance is uncertain. Algorithms developed to predict the effect of sequence changes on RNA splicing suggest that this variant may create or strengthen a splice site, but this prediction has not been confirmed by published transcriptional studies. In summary, the available evidence is currently insufficient to determine the role of this variant in disease. Therefore, it has been classified as a Variant of Uncertain Significance.

NM_001029883.3(PCARE):c.1540C>T (p.Pro514Ser)

Gene: PCARE (photoreceptor cilium actin regulator; minus strand). Cytogenetic location: 2p23.2.
Variant type: single nucleotide variant.
Coding change: c.1540C>T on transcript NM_001029883.3 (MANE Select); coding-DNA position 1540, C replaced by T.
Protein change: p.Pro514Ser; replaces proline 514 with serine.
Molecular consequence: missense variant.
Genome position (GRCh38, 1-based): chr2:29,072,722, G>A on the plus strand (C>T on the coding strand, the complement: PCARE is on the minus strand). VCF-style: chr2-29072722-G-A. GRCh37 (hg19) VCF-style: chr2-29295588-G-A.
Other names: short protein forms P514S.
Identifiers: ClinVar variation 1427036 (VCV001427036.8), dbSNP rs762977292, ClinGen allele CA44642407.
Genomic context (GRCh38, chr2:29,072,722, plus strand): 5'-TCCTAAGCCTCCTGGTGCGGGCCTGAAATGGGCTTTCCCGGTCAGCAGGTGAAGATTGTG[G>A]CCTTGAATGTGGAGTTTTTTCCTGCCAGGCACACAGACTCATGCTGCTCATTTTGTCTTC-3'
Protein context (NP_001025054.1, residues 504-524): AWQEKTPHSR[Pro514Ser]QSSPADRESP